The following is an entry in ClinVar:

NM_001267550.2(TTN):c.58561G>A (p.Glu19521Lys)

Genes: TTN (titin; minus strand), TTN-AS1 (TTN antisense RNA 1; plus strand). Cytogenetic location: 2q31.2.
Variant type: single nucleotide variant.
Coding change: c.58561G>A on transcript NM_001267550.2 (MANE Select); coding-DNA position 58561, G replaced by A.
Protein change: p.Glu19521Lys; replaces glutamic acid 19521 with lysine.
Molecular consequence: missense variant.
Genome position (GRCh38, 1-based): chr2:178,593,739, C>T on the plus strand (G>A on the coding strand, the complement: TTN is on the minus strand). VCF-style: chr2-178593739-C-T. GRCh37 (hg19) VCF-style: chr2-179458466-C-T.
Other names: c.53638G>A, p.Glu17880Lys (NM_001256850.1); c.31366G>A, p.Glu10456Lys (NM_003319.4); c.50857G>A, p.Glu16953Lys (NM_133378.4); c.31741G>A, p.Glu10581Lys (NM_133432.3); c.31942G>A, p.Glu10648Lys (NM_133437.4); short protein forms E19521K, E10456K, E17880K, E10648K, E10581K, E16953K.
Identifiers: ClinVar variation 238811 (VCV000238811.7), dbSNP rs746319976, ClinGen allele CA1992833.

ClinVar aggregate classification (germline): Uncertain significance. Review status: criteria provided, multiple submitters, no conflicts (2 of 4 stars). 4 submissions from 4 submitters: Uncertain significance (3). 1 of the submissions does not count toward it. Last evaluated 2023-11-16.

Conditions:
TTN-related disorder. Also called: TTN-related disorders; TTN-related condition; TTN-related disease.
Dilated cardiomyopathy 1G (CMD1G). Identifiers: Orphanet 154, MedGen C1858763, MONDO:0011400, OMIM 604145.
Autosomal recessive limb-girdle muscular dystrophy type 2J (LGMDR10). Also called: Limb-girdle muscular dystrophy, type 2J; MUSCULAR DYSTROPHY, LIMB-GIRDLE, AUTOSOMAL RECESSIVE 10. Identifiers: Orphanet 140922, MedGen C1837342, MONDO:0012127, OMIM 608807.
Tibial muscular dystrophy (TMD). Also called: UDD MYOPATHY; Udd Distal Myopathy – Tibial Muscular Dystrophy; Tibial muscular dystrophy, tardive. Identifiers: Orphanet 609, MedGen C1838244, MONDO:0010870, OMIM 600334.
Early-onset myopathy with fatal cardiomyopathy (CMYO5). Also called: Salih Myopathy; CONGENITAL MYOPATHY 5 WITH CARDIOMYOPATHY. Identifiers: Orphanet 289377, MedGen C2673677, MONDO:0012714, OMIM 611705. Disease mechanism: loss of function.
Hypertrophic cardiomyopathy 9. Also called: Familial hypertrophic cardiomyopathy 9. Identifiers: MedGen C1861065, MONDO:0013412, OMIM 613765.
Myopathy, myofibrillar, 9, with early respiratory failure (MFM9). Also called: Hereditary myopathy with early respiratory failure; EDSTROM MYOPATHY; MYOPATHY, PROXIMAL, WITH EARLY RESPIRATORY MUSCLE INVOLVEMENT; Myopathy, distal, with early respiratory failure, autosomal dominant. Identifiers: Orphanet 178464, Orphanet 34521, MedGen C1863599, MONDO:0011362, OMIM 603689.

Allele frequency attached by ClinVar (database versions not stated): ExAC 0.00001; gnomAD 0.00001; gnomAD exomes 0.00001 and 0.00002; TOPMed 0.00002.
gnomAD v4.1: 9 of 1,613,192 alleles (0.00056%); highest among the groups gnomAD compares: Admixed American, 0.015%; no homozygotes.

Submissions (4):

Revvity Omics, Revvity
Classification: Uncertain significance. Last evaluated: 2023-11-16. Review status: criteria provided, single submitter. Criteria: ACMG Guidelines, 2015. Collection method: clinical testing. Allele origin: germline.

Fulgent Genetics
Classification: Uncertain significance for Tibial muscular dystrophy; Myopathy, myofibrillar, 9, with early respiratory failure; Dilated cardiomyopathy 1G; Autosomal recessive limb-girdle muscular dystrophy type 2J; Early-onset myopathy with fatal cardiomyopathy; Hypertrophic cardiomyopathy 9. Last evaluated: 2018-10-31. Review status: criteria provided, single submitter. Criteria: ACMG Guidelines, 2015. Collection method: clinical testing. Allele origin: unknown.

Labcorp Genetics (formerly Invitae), Labcorp
Classification: Uncertain significance for Dilated cardiomyopathy 1G; Autosomal recessive limb-girdle muscular dystrophy type 2J. Last evaluated: 2016-04-05. Review status: criteria provided, single submitter. Criteria: Invitae Variant Classification Sherloc (09022015). Collection method: clinical testing. Allele origin: germline.

PreventionGenetics, part of Exact Sciences
Classification: Uncertain significance for TTN-related condition. Last evaluated: 2024-02-15. Review status: no assertion criteria provided. Collection method: clinical testing. Allele origin: germline. Not counted in ClinVar's aggregate classification.
Comment: The TTN c.58561G>A variant is predicted to result in the amino acid substitution p.Glu19521Lys. To our knowledge, this variant has not been reported in the literature. This variant is reported in 0.015% of alleles in individuals of Latino descent in gnomAD. At this time, the clinical significance of this variant is uncertain due to the absence of conclusive functional and genetic evidence.